The following is an entry in ClinVar:

NM_002227.4(JAK1):c.2217C>A (p.Asp739Glu)

Gene: JAK1 (Janus kinase 1; minus strand). Cytogenetic location: 1p31.3.
Variant type: single nucleotide variant.
Coding change: c.2217C>A on transcript NM_002227.4 (MANE Select); coding-DNA position 2217, C replaced by A.
Protein change: p.Asp739Glu; replaces aspartic acid 739 with glutamic acid.
Molecular consequence: missense variant.
Genome position (GRCh38, 1-based): chr1:64,844,788, G>T on the plus strand (C>A on the coding strand, the complement: JAK1 is on the minus strand). VCF-style: chr1-64844788-G-T. GRCh37 (hg19) VCF-style: chr1-65310471-G-T.
Other names: c.2217C>A, p.Asp739Glu (NM_001320923.2, NM_001321852.2, NM_001321853.2 and 3 more transcripts); c.2214C>A, p.Asp738Glu (NM_001321857.2); short protein forms D739E, D738E.
Identifiers: ClinVar variation 2964680 (VCV002964680.3), dbSNP rs201562675, ClinGen allele CA892724.
Genomic context (GRCh38, chr1:64,844,788, plus strand): 5'-CCAGAGGGAAGAGAGGGGAGACACACCTTGCCTAGACAGCACCGTAATGGGGATGCCGGG[G>T]TCACTGAGCTTGATGAATGGGCCACACTCACTGTCGATGCCCTCACGGGCCAGGAGGAGG-3'
Protein context (NP_002218.2, residues 729-749): SECGPFIKLS[Asp739Glu]PGIPITVLSR

ClinVar aggregate classification (germline): Uncertain significance (1 of 4 stars; one submission).

Allele frequency attached by ClinVar (database versions not stated): ExAC 0.00001.
gnomAD v4.1: 16 of 1,614,216 alleles (0.00099%); highest among the groups gnomAD compares: African/African-American, 0.0013%; no homozygotes.

Submission:

Labcorp Genetics (formerly Invitae), Labcorp
Classification: Uncertain significance. Last evaluated: 2023-06-29. Review status: criteria provided, single submitter. Criteria: Invitae Variant Classification Sherloc (09022015). Collection method: clinical testing. Allele origin: germline.
Comment: In summary, the available evidence is currently insufficient to determine the role of this variant in disease. Therefore, it has been classified as a Variant of Uncertain Significance. Advanced modeling of protein sequence and biophysical properties (such as structural, functional, and spatial information, amino acid conservation, physicochemical variation, residue mobility, and thermodynamic stability) performed at Invitae indicates that this missense variant is not expected to disrupt JAK1 protein function. This variant has not been reported in the literature in individuals affected with JAK1-related conditions. This variant is present in population databases (rs201562675, gnomAD 0.003%). This sequence change replaces aspartic acid, which is acidic and polar, with glutamic acid, which is acidic and polar, at codon 739 of the JAK1 protein (p.Asp739Glu).